The following is an entry in ClinVar:

ClinVar aggregate classification (germline): Uncertain significance. Review status: criteria provided, multiple submitters, no conflicts (2 of 4 stars). 2 submissions from 2 submitters: Uncertain significance (2). Last evaluated 2023-07-31.

Conditions:
Autosomal recessive limb-girdle muscular dystrophy type R18 (LGMDR18). Also called: Autosomal recessive limb-girdle muscular dystrophy type 2S; MUSCULAR DYSTROPHY, LIMB-GIRDLE, AUTOSOMAL RECESSIVE 18; Limb-girdle muscular dystrophy, type 2S. Identifiers: Orphanet 369840, MedGen C4517996, MONDO:0014144, OMIM 615356.

Allele frequency attached by ClinVar (database versions not stated): gnomAD exomes 0.00001; gnomAD 0.00002; TOPMed 0.00002; ESP Exome Variant Server 0.00008.
gnomAD v4.1: 14 of 1,511,794 alleles (0.00093%); highest among the groups gnomAD compares: African/African-American, 0.0028%; no homozygotes.

Submissions (2):

Women's Health and Genetics/Laboratory Corporation of America, LabCorp
Classification: Uncertain significance. Last evaluated: 2023-07-31. Review status: criteria provided, single submitter. Criteria: LabCorp Variant Classification Summary - May 2015. Collection method: clinical testing. Allele origin: germline.
Comment: Variant summary: TRAPPC11 c.829A>G (p.Lys277Glu) results in a conservative amino acid change located in the Trafficking protein particle complex subunit 11 domain (IPR021773) of the encoded protein sequence. Four of five in-silico tools predict a damaging effect of the variant on protein function. 3/4 computational tools predict no significant impact on normal splicing. However, these predictions have yet to be confirmed by functional studies. The variant allele was found at a frequency of 8.1e-06 in 246032 control chromosomes. The available data on variant occurrences in the general population are insufficient to allow any conclusion about variant significance. c.829A>G has been reported in the literature in one individual affected with congenital muscular dystrophy and other developmental symptoms (Munot_2022). This report does not provide unequivocal conclusions about association of the variant with Limb-Girdle Muscular Dystrophy, Autosomal Recessive. To our knowledge, no experimental evidence demonstrating an impact on protein function has been reported. The following publication has been ascertained in the context of this evaluation (PMID: 34648194). One submitter has cited clinical-significance assessments for this variant to ClinVar after 2014 and has classified the variant as uncertain significance. Based on the evidence outlined above, the variant was classified as uncertain significance.

Labcorp Genetics (formerly Invitae), Labcorp
Classification: Uncertain significance for Autosomal recessive limb-girdle muscular dystrophy type R18. Last evaluated: 2022-08-22. Review status: criteria provided, single submitter. Criteria: Invitae Variant Classification Sherloc (09022015). Collection method: clinical testing. Allele origin: germline.
Comment: This sequence change replaces lysine, which is basic and polar, with glutamic acid, which is acidic and polar, at codon 277 of the TRAPPC11 protein (p.Lys277Glu). This variant is present in population databases (rs368689327, gnomAD 0.0009%). This variant has not been reported in the literature in individuals affected with TRAPPC11-related conditions. ClinVar contains an entry for this variant (Variation ID: 835885). Algorithms developed to predict the effect of missense changes on protein structure and function (SIFT, PolyPhen-2, Align-GVGD) all suggest that this variant is likely to be disruptive. In summary, the available evidence is currently insufficient to determine the role of this variant in disease. Therefore, it has been classified as a Variant of Uncertain Significance.

Literature cited by the submitters: PubMed 34648194 (cited by Women's Health and Genetics/Laboratory Corporation of America, LabCorp).

NM_021942.6(TRAPPC11):c.829A>G (p.Lys277Glu)

Gene: TRAPPC11 (trafficking protein particle complex subunit 11; plus strand). Cytogenetic location: 4q35.1.
Variant type: single nucleotide variant.
Coding change: c.829A>G on transcript NM_021942.6 (MANE Select); coding-DNA position 829, A replaced by G.
Protein change: p.Lys277Glu; replaces lysine 277 with glutamic acid.
Molecular consequence: missense variant.
Genome position (GRCh38, 1-based): chr4:183,677,552, A>G. VCF-style: chr4-183677552-A-G. GRCh37 (hg19) VCF-style: chr4-184598705-A-G.
Other names: c.829A>G, p.Lys277Glu (NM_199053.3); short protein forms K277E.
Identifiers: ClinVar variation 835885 (VCV000835885.8), dbSNP rs368689327, ClinGen allele CA111844616.